The following is an entry in ClinVar:

ClinVar aggregate classification (germline): Likely pathogenic (1 of 4 stars; one submission).

Conditions:
Developmental and epileptic encephalopathy, 74. Also called: EPILEPTIC ENCEPHALOPATHY, EARLY INFANTILE, 74. Identifiers: MedGen C5193074, MONDO:0032725, OMIM 618396.

Allele frequency attached by ClinVar (database versions not stated): gnomAD 0.00001.
gnomAD v4.1: 1 of 1,613,880 alleles (0.000062%); highest among the groups gnomAD compares: Admixed American, 0.0017%; no homozygotes.

Submission:

3billion
Classification: Likely pathogenic for Developmental and epileptic encephalopathy, 74. Last evaluated: 2021-10-02. Review status: criteria provided, single submitter. Criteria: ACMG Guidelines, 2015. Collection method: clinical testing. Allele origin: maternal. Affected: yes. Observed: 1 heterozygote.
Comment: Stop-gained (nonsense): predicted to result in a loss or disruption of normal protein function through nonsense-mediated decay (NMD) or protein truncation. Multiple pathogenic variants are reported downstream of the variant (PVS1_VS). It is not observed in the gnomAD v2.1.1 dataset (PM2). Therefore, this variant is classified as likely pathogenic according to the recommendation of ACMG/AMP guideline.

NM_198904.4(GABRG2):c.666G>A (p.Trp222Ter)

Gene: GABRG2 (gamma-aminobutyric acid type A receptor subunit gamma2; plus strand). Cytogenetic location: 5q34.
Variant type: single nucleotide variant.
Coding change: c.666G>A on transcript NM_198904.4 (MANE Select); coding-DNA position 666, G replaced by A.
Protein change: p.Trp222Ter; replaces tryptophan 222 with a stop codon.
Molecular consequence: nonsense.
Genome position (GRCh38, 1-based): chr5:162,103,923, G>A. VCF-style: chr5-162103923-G-A. GRCh37 (hg19) VCF-style: chr5-161530929-G-A.
Other names: c.666G>A, p.Trp222Ter (NM_000816.3, NM_001375340.1, NM_001375341.1 and 2 more transcripts); c.657G>A, p.Trp219Ter (NM_001375339.1); c.786G>A, p.Trp262Ter (NM_001375343.1, NM_198903.2); c.600G>A, p.Trp200Ter (NM_001375345.1, NM_001375346.1); c.579G>A, p.Trp193Ter (NM_001375347.1); c.246G>A, p.Trp82Ter (NM_001375348.1, NM_001375350.1); c.381G>A, p.Trp127Ter (NM_001375349.1); short protein forms W127*, W193*, W200*, W219*, W222*, W262*, W82*.
Identifiers: ClinVar variation 1320172 (VCV001320172.1), dbSNP rs1761617556, ClinGen allele CA362185039.